The following is an entry in ClinVar:

NM_001033855.3(DCLRE1C):c.*975G>A

Gene: DCLRE1C (DNA cross-link repair 1C; minus strand). Cytogenetic location: 10p13.
Variant type: single nucleotide variant.
Coding change: c.*975G>A on transcript NM_001033855.3 (MANE Select); 975 bases downstream of the stop codon, G replaced by A.
Molecular consequence: 3 prime UTR variant. On other transcripts: non-coding transcript variant (3), intron variant (3).
Genome position (GRCh38, 1-based): chr10:14,907,433, C>T on the plus strand (G>A on the coding strand, the complement: DCLRE1C is on the minus strand). VCF-style: chr10-14907433-C-T. GRCh37 (hg19) VCF-style: chr10-14949432-C-T.
Other names: c.*975G>A (NM_001033857.3, NM_001033858.3, NM_001289076.2 and 4 more transcripts); c.1437+1272G>A (NM_001350966.2); c.1782+1272G>A (NM_001350965.2); c.1422+1272G>A (NM_001350967.2).
Identifiers: ClinVar variation 299280 (VCV000299280.5), dbSNP rs116007944, ClinGen allele CA10628236.

ClinVar aggregate classification (germline): Benign (1 of 4 stars; one submission).

Conditions:
Histiocytic medullary reticulosis. Also called: SEVERE COMBINED IMMUNODEFICIENCY WITH HYPEREOSINOPHILIA; Omenn syndrome. Identifiers: Orphanet 39041, MedGen C2700553, MONDO:0011338, OMIM 603554.

Allele frequency attached by ClinVar (database versions not stated): gnomAD 0.01181 and 0.01257; TOPMed 0.01364; 1000 Genomes Project 0.01617; 1000 Genomes Project 30x 0.01858.
gnomAD v4.1: 1,774 of 151,836 alleles (1.2%); highest among the groups gnomAD compares: African/African-American, 4%; 32 homozygotes.

Submission:

Illumina Laboratory Services, Illumina
Classification: Benign for Histiocytic medullary reticulosis. Last evaluated: 2018-01-13. Review status: criteria provided, single submitter. Criteria: ICSL Variant Classification Criteria 13 December 2019. Collection method: clinical testing. Allele origin: germline.
Comment: This variant was observed in the ICSL laboratory as part of a predisposition screen in an ostensibly healthy population. It had not been previously curated by ICSL or reported in the Human Gene Mutation Database (HGMD: prior to June 1st, 2018), and was therefore a candidate for classification through an automated scoring system. Utilizing variant allele frequency, disease prevalence and penetrance estimates, and inheritance mode, an automated score was calculated to assess if this variant is too frequent to cause the disease. Based on the score and internal cut-off values, a variant classified as benign is not then subjected to further curation. The score for this variant resulted in a classification of benign for this disease.